The following is an entry in ClinVar:

NM_000051.4(ATM):c.3403-15_3403-14insTA

Gene: ATM (ATM serine/threonine kinase; plus strand). Cytogenetic location: 11q22.3.
Variant type: Insertion.
Coding change: c.3403-15_3403-14insTA on transcript NM_000051.4 (MANE Select); 15 bases into the intron before coding-DNA position 3403 through 14 bases into the intron before coding-DNA position 3403, TA inserted.
Molecular consequence: intron variant.
Genome position: GRCh38 VCF-style: chr11-108280980-T-TTA. GRCh37 (hg19) VCF-style: chr11-108151707-T-TTA.
Other names: c.3403-15_3403-14insTA (NM_001351834.2).
Identifiers: ClinVar variation 490530 (VCV000490530.12), dbSNP rs1555091084, ClinGen allele CA6265289.

ClinVar aggregate classification (germline): Benign/Likely benign. Review status: criteria provided, multiple submitters, no conflicts (2 of 4 stars). 7 submissions from 7 submitters: Benign (1); Likely benign (4). 2 of the submissions do not count toward it. Last evaluated 2025-07-10.

Conditions:
Familial ovarian cancer. Identifiers: MedGen C5679802, MONDO:0016248.
Breast and/or ovarian cancer. Identifiers: MedGen CN221562.
Hereditary cancer-predisposing syndrome. Also called: Tumor predisposition; Hereditary Cancer Syndrome; Neoplastic Syndromes, Hereditary; Hereditary neoplastic syndrome. Identifiers: Orphanet 140162, MedGen C0027672, MeSH D009386, MONDO:0015356.
ATM-related disorder. Also called: ATM-related disorders; ATM-related condition.

Allele frequency attached by ClinVar (database versions not stated): gnomAD 0.00021; gnomAD exomes 0.00056; ExAC 0.00075; ESP Exome Variant Server 0.00104.

Submissions (7):

GeneKor MSA
Classification: Benign for Hereditary cancer-predisposing syndrome. Last evaluated: 2025-07-10. Review status: criteria provided, single submitter. Criteria: ACMG Guidelines, 2015. Collection method: clinical testing. Allele origin: germline.

Center for Genomic Medicine, Rigshospitalet, Copenhagen University Hospital
Classification: Likely benign. Last evaluated: 2025-03-04. Review status: criteria provided, single submitter. Criteria: ACMG Guidelines, 2015. Collection method: clinical testing. Allele origin: germline.

Blueprint Genetics
Classification: Likely benign. Last evaluated: 2024-11-13. Review status: criteria provided, single submitter. Criteria: ACMG Guidelines, 2015. Collection method: clinical testing. Allele origin: germline.

Color Diagnostics, LLC DBA Color Health
Classification: Likely benign for Hereditary cancer-predisposing syndrome. Last evaluated: 2024-10-09. Review status: criteria provided, single submitter. Criteria: ACMG Guidelines, 2015. Collection method: clinical testing. Allele origin: germline.

CHEO Genetics Diagnostic Laboratory, Children's Hospital of Eastern Ontario
Classification: Likely benign for Breast and/or ovarian cancer. Last evaluated: 2022-12-19. Review status: criteria provided, single submitter. Criteria: ACMG Guidelines, 2015. Collection method: clinical testing. Allele origin: germline.

PreventionGenetics, part of Exact Sciences
Classification: Likely benign for ATM-related condition. Last evaluated: 2019-07-10. Review status: no assertion criteria provided. Collection method: clinical testing. Allele origin: germline. Not counted in ClinVar's aggregate classification.
Comment: This variant is classified as likely benign based on ACMG/AMP sequence variant interpretation guidelines (Richards et al. 2015 PMID: 25741868, with internal and published modifications).

Department of Pathology and Laboratory Medicine, Sinai Health System
Classification: Benign for Familial ovarian cancer. Review status: no assertion criteria provided. Collection method: clinical testing. Allele origin: unknown. Affected: yes. Study: The Canadian Open Genetics Repository (COGR). Not counted in ClinVar's aggregate classification.
Comment: The ATM c.3403-15_3403-14insTA variant was identified in the following databases: dbSNP (ID: rs3218681) â€šÃ„ÃºWith Benign, other alleleâ€šÃ„Ã¹, and in control databases in 144695 (40554 homozygous) of 258930 chromosomes at a frequency of 0.6 (Genome Aggregation Consortium Feb 27, 2017), falling on 3 transcripts with a population breakdown of: South Asian in 16377 (5070 homozygous) of 26642 chromosomes (freq: 0.6), European (Finnish) in 14916 (4483 homozygous) of 24280 chromosomes (freq: 0.6), Latino in 19186 (5780 homozygous) of 31316 chromosomes (freq: 0.6), Ashkenazi Jewish in 5646 (1697 homozygous) of 9232 chromosomes (freq: 0.6), Other in 3528 (1050 homozygous) of 5964 chromosomes (freq: 0.6), European (Non-Finnish) in 67483 (18810 homozygous) of 119980 chromosomes (freq: 0.6), African in 10689 (2402 homozygous) of 23444 chromosomes (freq: 0.5), and East Asian in 6870 (1262 homozygous) of 18072 chromosomes (freq: 0.4). The variant occurs outside of the splicing consensus sequence and in silico or computational prediction software programs (SpliceSiteFinder, MaxEntScan, NNSPLICE, GeneSplicer, HumanSpliceFinder) do not predict a difference in splicing. In summary, based on the above information this variant meets our laboratory's criteria to be classified as benign.